The following is an entry in ClinVar:

NM_014915.3(ANKRD26):c.2405G>A (p.Arg802Lys)

Gene: ANKRD26 (ankyrin repeat domain containing 26; minus strand). Cytogenetic location: 10p12.1.
Variant type: single nucleotide variant.
Coding change: c.2405G>A on transcript NM_014915.3 (MANE Select); coding-DNA position 2405, G replaced by A.
Protein change: p.Arg802Lys; replaces arginine 802 with lysine.
Molecular consequence: missense variant.
Genome position (GRCh38, 1-based): chr10:27,038,025, C>T on the plus strand (G>A on the coding strand, the complement: ANKRD26 is on the minus strand). VCF-style: chr10-27038025-C-T. GRCh37 (hg19) VCF-style: chr10-27326954-C-T.
Other names: c.2402G>A, p.Arg801Lys (NM_001256053.2); short protein forms R802K, R801K.
Identifiers: ClinVar variation 3867944 (VCV003867944.1).

ClinVar aggregate classification (germline): Uncertain significance (1 of 4 stars; one submission).

Conditions:
Inborn genetic diseases. Identifiers: MedGen C0950123, MeSH D030342.

gnomAD v4.1: 2 of 1,610,832 alleles (0.00012%); highest among the groups gnomAD compares: Non-Finnish European, 0.00017%; no homozygotes.

Submission:

Ambry Genetics
Classification: Uncertain significance for Inborn genetic diseases. Last evaluated: 2025-01-05. Review status: criteria provided, single submitter. Criteria: Ambry Variant Classification Scheme 2023. Collection method: clinical testing. Allele origin: germline.
Comment: The p.R802K variant (also known as c.2405G>A), located in coding exon 22 of the ANKRD26 gene, results from a G to A substitution at nucleotide position 2405. The arginine at codon 802 is replaced by lysine, an amino acid with highly similar properties. This amino acid position is conserved. In addition, this alteration is predicted to be tolerated by in silico analysis. Based on the available evidence, the clinical significance of this variant remains unclear.